The following is an entry in ClinVar:

NM_020366.4(RPGRIP1):c.643C>T (p.Pro215Ser)

Gene: RPGRIP1 (RPGR interacting protein 1; plus strand). Cytogenetic location: 14q11.2.
Variant type: single nucleotide variant.
Coding change: c.643C>T on transcript NM_020366.4 (MANE Select); coding-DNA position 643, C replaced by T.
Protein change: p.Pro215Ser; replaces proline 215 with serine.
Molecular consequence: missense variant.
Genome position (GRCh38, 1-based): chr14:21,303,386, C>T. VCF-style: chr14-21303386-C-T. GRCh37 (hg19) VCF-style: chr14-21771545-C-T.
Other names: short protein forms P215S.
Identifiers: ClinVar variation 2109687 (VCV002109687.4), dbSNP rs1417081474, ClinGen allele CA388860573.
Genomic context (GRCh38, chr14:21,303,386, plus strand): 5'-TTTAGTGTTTCTGGTTCTAACAGCATAATTTCTTTCAGCAGTGTCATAAGTATGGCTAAA[C>T]CCATTGGTCTATGCATGCCTAACAGTGCCCACATCATGGCCAGCAATACCATGCAAGTGG-3'
Protein context (NP_065099.3, residues 205-225): SFSSVISMAK[Pro215Ser]IGLCMPNSAH

ClinVar aggregate classification (germline): Uncertain significance (1 of 4 stars; one submission).

Conditions:
Leber congenital amaurosis 6 (LCA6). Identifiers: Orphanet 65, MedGen C1854260, MONDO:0013446, OMIM 613826.
Cone-rod dystrophy 13 (CORD13). Identifiers: Orphanet 1872, MedGen C2750720, MONDO:0011987, OMIM 608194.

Allele frequency attached by ClinVar (database versions not stated): gnomAD exomes below 0.00001.

Submission:

Labcorp Genetics (formerly Invitae), Labcorp
Classification: Uncertain significance for Leber congenital amaurosis 6; Cone-rod dystrophy 13. Last evaluated: 2022-07-05. Review status: criteria provided, single submitter. Criteria: Invitae Variant Classification Sherloc (09022015). Collection method: clinical testing. Allele origin: germline.
Comment: This variant is not present in population databases (gnomAD no frequency). In summary, the available evidence is currently insufficient to determine the role of this variant in disease. Therefore, it has been classified as a Variant of Uncertain Significance. Algorithms developed to predict the effect of missense changes on protein structure and function (SIFT, PolyPhen-2, Align-GVGD) all suggest that this variant is likely to be tolerated. This variant has not been reported in the literature in individuals affected with RPGRIP1-related conditions. This sequence change replaces proline, which is neutral and non-polar, with serine, which is neutral and polar, at codon 215 of the RPGRIP1 protein (p.Pro215Ser).